The following is an entry in ClinVar:

ClinVar aggregate classification (germline): Likely benign. Review status: criteria provided, multiple submitters, no conflicts (2 of 4 stars). 2 submissions from 2 submitters: Likely benign (2). Last evaluated 2026-01-19.

Conditions:
PARN-related disorder. Also called: PARN-related condition; PARN-related disorders.
Pulmonary fibrosis and/or bone marrow failure, Telomere-related, 4. Also called: PULMONARY FIBROSIS AND/OR BONE MARROW FAILURE SYNDROME, TELOMERE-RELATED, 4. Identifiers: OMIM 616371, Orphanet 2032, MedGen C4225347, MONDO:0014612.
Dyskeratosis congenita, autosomal recessive 6 (DKCB6). Identifiers: MedGen C4225356, MONDO:0014600, OMIM 616353.

Allele frequency attached by ClinVar (database versions not stated): gnomAD 0.00004; gnomAD exomes 0.00009 and 0.00030; TOPMed 0.00012; ExAC 0.00027.

Submissions (2):

Labcorp Genetics (formerly Invitae), Labcorp
Classification: Likely benign for Dyskeratosis congenita, autosomal recessive 6; Pulmonary fibrosis and/or bone marrow failure, Telomere-related, 4. Last evaluated: 2026-01-19. Review status: criteria provided, single submitter. Criteria: Invitae Variant Classification Sherloc (09022015). Collection method: clinical testing. Allele origin: germline.

PreventionGenetics, part of Exact Sciences
Classification: Likely benign for PARN-related condition. Last evaluated: 2025-02-17. Review status: criteria provided, single submitter. Criteria: ACMG Guidelines, 2015. Collection method: clinical testing. Allele origin: germline.
Comment: This variant is classified as likely benign based on ACMG/AMP sequence variant interpretation guidelines (Richards et al. 2015 PMID: 25741868, with internal and published modifications).

NM_002582.4(PARN):c.877G>A (p.Val293Ile)

Gene: PARN (poly(A)-specific ribonuclease; minus strand). Cytogenetic location: 16p13.12.
Variant type: single nucleotide variant.
Coding change: c.877G>A on transcript NM_002582.4 (MANE Select); coding-DNA position 877, G replaced by A.
Protein change: p.Val293Ile; replaces valine 293 with isoleucine.
Molecular consequence: missense variant.
Genome position (GRCh38, 1-based): chr16:14,593,342, C>T on the plus strand (G>A on the coding strand, the complement: PARN is on the minus strand). VCF-style: chr16-14593342-C-T. GRCh37 (hg19) VCF-style: chr16-14687199-C-T.
Other names: c.694G>A, p.Val232Ile (NM_001134477.3); c.739G>A, p.Val247Ile (NM_001242992.2); short protein forms V232I, V247I, V293I.
Identifiers: ClinVar variation 735860 (VCV000735860.11), dbSNP rs758441481, ClinGen allele CA7912249.